The following is an entry in ClinVar:

NM_006389.5(HYOU1):c.1389G>A (p.Lys463=)

Gene: HYOU1 (hypoxia up-regulated 1; minus strand). Cytogenetic location: 11q23.3.
Variant type: single nucleotide variant.
Coding change: c.1389G>A on transcript NM_006389.5 (MANE Select); coding-DNA position 1389, G replaced by A.
Protein change: p.Lys463=; no amino-acid change (lysine 463 retained).
Molecular consequence: synonymous variant.
Genome position (GRCh38, 1-based): chr11:119,051,575, C>T on the plus strand (G>A on the coding strand, the complement: HYOU1 is on the minus strand). VCF-style: chr11-119051575-C-T. GRCh37 (hg19) VCF-style: chr11-118922287-C-T.
Other names: c.1389G>A, p.Lys463= (NM_001130991.3, NM_001411041.1).
Identifiers: ClinVar variation 2965268 (VCV002965268.3), dbSNP rs782636857, ClinGen allele CA229621972.

ClinVar aggregate classification (germline): Uncertain significance (1 of 4 stars; one submission).

Allele frequency attached by ClinVar (database versions not stated): gnomAD 0.00001.
gnomAD v4.1: 25 of 1,614,030 alleles (0.0015%); highest among the groups gnomAD compares: Non-Finnish European, 0.002%; no homozygotes.

Submission:

Labcorp Genetics (formerly Invitae), Labcorp
Classification: Uncertain significance. Last evaluated: 2023-04-09. Review status: criteria provided, single submitter. Criteria: Invitae Variant Classification Sherloc (09022015). Collection method: clinical testing. Allele origin: germline.
Comment: In summary, the available evidence is currently insufficient to determine the role of this variant in disease. Therefore, it has been classified as a Variant of Uncertain Significance. This variant has not been reported in the literature in individuals affected with HYOU1-related conditions. This variant is present in population databases (rs782636857, gnomAD 0.002%). This sequence change affects codon 463 of the HYOU1 mRNA. It is a 'silent' change, meaning that it does not change the encoded amino acid sequence of the HYOU1 protein.